The following is an entry in ClinVar:

ClinVar aggregate classification (germline): Uncertain significance (1 of 4 stars; one submission).

Conditions:
Koolen-de Vries syndrome (KDVS). Identifiers: Orphanet 96169, MedGen C1864871, MONDO:0012496, OMIM 610443.

Allele frequency attached by ClinVar (database versions not stated): gnomAD exomes below 0.00001.
gnomAD v4.1: 7 of 1,563,716 alleles (0.00045%); highest among the groups gnomAD compares: Admixed American, 0.004%; no homozygotes.

Submission:

Labcorp Genetics (formerly Invitae), Labcorp
Classification: Uncertain significance for Koolen-de Vries syndrome. Last evaluated: 2021-08-05. Review status: criteria provided, single submitter. Criteria: Invitae Variant Classification Sherloc (09022015). Collection method: clinical testing. Allele origin: germline.
Comment: Due to the possible presence of a polymorphic segmental duplication, the location of the variant could not be unambiguously resolved. Variants with ambiguous mapping are still reported relative to the KANSL1 transcript. This sequence change replaces histidine with arginine at codon 170 of the KANSL1 protein (p.His170Arg). The histidine residue is highly conserved and there is a small physicochemical difference between histidine and arginine. The frequency data for this variant in the population databases (ExAC) is considered unreliable due to the presence of homologous sequence, such as pseudogenes or paralogs, in the genome. This variant has not been reported in the literature in individuals with KANSL1-related conditions. ClinVar contains an entry for this variant (Variation ID: 845934). Algorithms developed to predict the effect of missense changes on protein structure and function (SIFT, PolyPhen-2, Align-GVGD) all suggest that this variant is likely to be tolerated. Until the location of this sequence change can be resolved, the clinical significance of this variant remains uncertain. It has been classified as a Variant of Uncertain Significance.

NM_015443.4(KANSL1):c.509A>G (p.His170Arg)

Gene: KANSL1 (KAT8 regulatory NSL complex subunit 1). Cytogenetic location: 17q21.31.
Variant type: single nucleotide variant.
Coding change: c.509A>G on transcript NM_015443.4 (MANE Select); coding-DNA position 509, A replaced by G.
Protein change: p.His170Arg; replaces histidine 170 with arginine.
Molecular consequence: missense variant.
Genome position (GRCh38, 1-based): chr17:46,171,635, T>C on the plus strand (A>G on the coding strand, the complement: KANSL1 is on the minus strand). VCF-style: chr17-46171635-T-C. GRCh37 (hg19) VCF-style: chr17-44249001-T-C.
Other names: c.509A>G, p.His170Arg (NM_001193465.2, NM_001193466.2, NM_001379198.1); short protein forms H170R.
Identifiers: ClinVar variation 845934 (VCV000845934.3), dbSNP rs1038293188, ClinGen allele CA291114820.